The following is an entry in ClinVar:

ClinVar aggregate classification (germline): Uncertain significance. Review status: criteria provided, multiple submitters, no conflicts (2 of 4 stars). 2 submissions from 2 submitters: Uncertain significance (2). Last evaluated 2023-11-30.

Conditions:
Inborn genetic diseases. Identifiers: MedGen C0950123, MeSH D030342.

Allele frequency attached by ClinVar (database versions not stated): gnomAD 0.00001.
gnomAD v4.1: 6 of 1,612,836 alleles (0.00037%); highest among the groups gnomAD compares: East Asian, 0.0022%; no homozygotes.

Submissions (2):

GeneDx
Classification: Uncertain significance. Last evaluated: 2023-11-30. Review status: criteria provided, single submitter. Criteria: GeneDx Variant Classification Process June 2021. Collection method: clinical testing. Allele origin: germline. Affected: yes.
Comment: Not observed at significant frequency in large population cohorts (gnomAD); In silico analysis supports that this missense variant has a deleterious effect on protein structure/function; Has not been previously published as pathogenic or benign to our knowledge

Ambry Genetics
Classification: Uncertain significance for Inborn genetic diseases. Last evaluated: 2022-01-25. Review status: criteria provided, single submitter. Criteria: Ambry Variant Classification Scheme 2023. Collection method: clinical testing. Allele origin: germline.
Comment: The c.83C>T (p.P28L) alteration is located in exon 2 (coding exon 1) of the SPTBN4 gene. This alteration results from a C to T substitution at nucleotide position 83, causing the proline (P) at amino acid position 28 to be replaced by a leucine (L). Based on data from gnomAD, the T allele has an overall frequency of <0.01% (1/246664) total alleles studied. This amino acid position is conserved in available mammalian species. This alteration is predicted to be tolerated by in silico analysis. Based on insufficient or conflicting evidence, the clinical significance of this alteration remains unclear.

NM_020971.3(SPTBN4):c.83C>T (p.Pro28Leu)

Gene: SPTBN4 (spectrin beta, non-erythrocytic 4; plus strand). Cytogenetic location: 19q13.2.
Variant type: single nucleotide variant.
Coding change: c.83C>T on transcript NM_020971.3 (MANE Select); coding-DNA position 83, C replaced by T.
Protein change: p.Pro28Leu; replaces proline 28 with leucine.
Molecular consequence: missense variant.
Genome position (GRCh38, 1-based): chr19:40,472,704, C>T. VCF-style: chr19-40472704-C-T. GRCh37 (hg19) VCF-style: chr19-40978611-C-T.
Other names: short protein forms P28L.
Identifiers: ClinVar variation 2402835 (VCV002402835.3), dbSNP rs1200592638, ClinGen allele CA405888254.